The following is an entry in ClinVar:

ClinVar aggregate classification (germline): Uncertain significance (1 of 4 stars; one submission).

Conditions:
Immunodeficiency 35 (IMD35). Also called: HIES WITH ATYPICAL MYCOBACTERIOSIS, AUTOSOMAL RECESSIVE; HYPER-IgE SYNDROME WITH ATYPICAL MYCOBACTERIOSIS, AUTOSOMAL RECESSIVE; Susceptibility to infection due to TYK2 deficiency; TYK2 DEFICIENCY. Identifiers: Orphanet 331226, MedGen C1969086, MONDO:0012682, OMIM 611521.

Allele frequency attached by ClinVar (database versions not stated): TOPMed below 0.00001; gnomAD 0.00001; ExAC 0.00002.
gnomAD v4.1: 11 of 1,613,962 alleles (0.00068%); highest among the groups gnomAD compares: Non-Finnish European, 0.00085%; no homozygotes.

Submission:

Labcorp Genetics (formerly Invitae), Labcorp
Classification: Uncertain significance for Immunodeficiency 35. Last evaluated: 2025-08-18. Review status: criteria provided, single submitter. Criteria: Invitae Variant Classification Sherloc (09022015). Collection method: clinical testing. Allele origin: germline.
Comment: This sequence change replaces alanine, which is neutral and non-polar, with valine, which is neutral and non-polar, at codon 886 of the TYK2 protein (p.Ala886Val). This variant is present in population databases (rs764682808, gnomAD 0.004%). This variant has not been reported in the literature in individuals affected with TYK2-related conditions. ClinVar contains an entry for this variant (Variation ID: 2158103). An algorithm developed to predict the effect of missense changes on protein structure and function outputs the following: PolyPhen-2: "Benign". The valine amino acid residue is found in multiple mammalian species, which suggests that this missense change does not adversely affect protein function. In summary, the available evidence is currently insufficient to determine the role of this variant in disease. Therefore, it has been classified as a Variant of Uncertain Significance.

NM_003331.5(TYK2):c.2657C>T (p.Ala886Val)

Gene: TYK2 (tyrosine kinase 2; minus strand). Cytogenetic location: 19p13.2.
Variant type: single nucleotide variant.
Coding change: c.2657C>T on transcript NM_003331.5 (MANE Select); coding-DNA position 2657, C replaced by T.
Protein change: p.Ala886Val; replaces alanine 886 with valine.
Molecular consequence: missense variant.
Genome position (GRCh38, 1-based): chr19:10,354,570, G>A on the plus strand (C>T on the coding strand, the complement: TYK2 is on the minus strand). VCF-style: chr19-10354570-G-A. GRCh37 (hg19) VCF-style: chr19-10465246-G-A.
Other names: c.2657C>T, p.Ala886Val (NM_001385197.1, NM_001385198.1, NM_001406461.1); c.2471C>T, p.Ala824Val (NM_001385199.1); c.2654C>T, p.Ala885Val (NM_001385200.1); c.2459C>T, p.Ala820Val (NM_001385201.1); c.2573C>T, p.Ala858Val (NM_001385202.1); c.2738C>T, p.Ala913Val (NM_001385203.1); c.2867C>T, p.Ala956Val (NM_001385204.1); c.2567C>T, p.Ala856Val (NM_001385205.1); and 2 more; short protein forms A820V, A844V, A885V, A856V, A913V, A880V, A824V, A858V.
Identifiers: ClinVar variation 2158103 (VCV002158103.4), dbSNP rs764682808, ClinGen allele CA9192969.
Genomic context (GRCh38, chr19:10,354,570, plus strand): 5'-ACCTCGCCCAGATCTCGGATCTTTTTCAAATAGCGCTTGTGGAAAACCGTAGGGTCCGAC[G>A]CCGGTGAGTCCGGGTTCACAGTCAAGACGTCAGCAAGATCTGGAAGAGTTGCGGTGGGTA-3'
Protein context (NP_003322.3, residues 876-896): DVLTVNPDSP[Ala886Val]SDPTVFHKRY